The following is an entry in ClinVar:

NM_000061.3(BTK):c.294C>A (p.Phe98Leu)

Gene: BTK (Bruton tyrosine kinase; minus strand). Cytogenetic location: Xq22.1.
Variant type: single nucleotide variant.
Coding change: c.294C>A on transcript NM_000061.3 (MANE Select); coding-DNA position 294, C replaced by A.
Protein change: p.Phe98Leu; replaces phenylalanine 98 with leucine.
Molecular consequence: missense variant.
Genome position (GRCh38, 1-based): chrX:101,371,648, G>T on the plus strand (C>A on the coding strand, the complement: BTK is on the minus strand). VCF-style: chrX-101371648-G-T. GRCh37 (hg19) VCF-style: chrX-100626636-G-T.
Other names: c.396C>A, p.Phe132Leu (NM_001287344.2); c.294C>A, p.Phe98Leu (NM_001287345.2); short protein forms F132L, F98L.
Identifiers: ClinVar variation 918111 (VCV000918111.1), dbSNP rs1927036921, ClinGen allele CA413938060.

ClinVar aggregate classification (germline): Uncertain significance (1 of 4 stars; one submission).

Submission:

Women's Health and Genetics/Laboratory Corporation of America, LabCorp
Classification: Uncertain significance. Last evaluated: 2020-03-09. Review status: criteria provided, single submitter. Criteria: LabCorp Variant Classification Summary - May 2015. Collection method: clinical testing. Allele origin: germline.
Comment: Variant summary: BTK c.294C>A (p.Phe98Leu) results in a non-conservative amino acid change located in the Pleckstrin homology domain (IPR001849) of the encoded protein sequence. Three of five in-silico tools predict a damaging effect of the variant on protein function. The variant was absent in 183426 control chromosomes (gnomAD). The available data on variant occurrences in the general population are insufficient to allow any conclusion about variant significance. To our knowledge, no occurrence of c.294C>A in individuals affected with X-linked Agammaglobulinemia and no experimental evidence demonstrating its impact on protein function have been reported. No clinical diagnostic laboratories have submitted clinical-significance assessments for this variant to ClinVar after 2014. Based on the evidence outlined above, the variant was classified as uncertain significance.